The following is an entry in ClinVar:

NM_001029883.3(PCARE):c.467C>T (p.Thr156Ile)

Gene: PCARE (photoreceptor cilium actin regulator; minus strand). Cytogenetic location: 2p23.2.
Variant type: single nucleotide variant.
Coding change: c.467C>T on transcript NM_001029883.3 (MANE Select); coding-DNA position 467, C replaced by T.
Protein change: p.Thr156Ile; replaces threonine 156 with isoleucine.
Molecular consequence: missense variant.
Genome position (GRCh38, 1-based): chr2:29,073,795, G>A on the plus strand (C>T on the coding strand, the complement: PCARE is on the minus strand). VCF-style: chr2-29073795-G-A. GRCh37 (hg19) VCF-style: chr2-29296661-G-A.
Other names: short protein forms T156I.
Identifiers: ClinVar variation 2110398 (VCV002110398.4), dbSNP rs1347275472, ClinGen allele CA346482235.

ClinVar aggregate classification (germline): Uncertain significance (1 of 4 stars; one submission).

Submission:

Labcorp Genetics (formerly Invitae), Labcorp
Classification: Uncertain significance. Last evaluated: 2022-05-27. Review status: criteria provided, single submitter. Criteria: Invitae Variant Classification Sherloc (09022015). Collection method: clinical testing. Allele origin: germline.
Comment: In summary, the available evidence is currently insufficient to determine the role of this variant in disease. Therefore, it has been classified as a Variant of Uncertain Significance. Algorithms developed to predict the effect of missense changes on protein structure and function (SIFT, PolyPhen-2, Align-GVGD) all suggest that this variant is likely to be tolerated. This variant has not been reported in the literature in individuals affected with PCARE-related conditions. This variant is not present in population databases (gnomAD no frequency). This sequence change replaces threonine, which is neutral and polar, with isoleucine, which is neutral and non-polar, at codon 156 of the PCARE protein (p.Thr156Ile).